The following is an entry in ClinVar:

ClinVar aggregate classification (germline): Likely benign (1 of 4 stars; one submission).

Allele frequency attached by ClinVar (database versions not stated): TOPMed 0.00006; ExAC 0.00007; gnomAD exomes 0.00007; ESP Exome Variant Server 0.00008; gnomAD 0.00009.
gnomAD v4.1: 116 of 1,607,788 alleles (0.0072%); highest among the groups gnomAD compares: Non-Finnish European, 0.0092%; no homozygotes.

Submission:

CeGaT Center for Human Genetics Tuebingen
Classification: Likely benign. Last evaluated: 2025-12-01. Review status: criteria provided, single submitter. Criteria: CeGaT Center For Human Genetics Tuebingen Variant Classification Criteria Version 2. Collection method: clinical testing. Allele origin: germline. Affected: yes. Observed: 2 variant alleles.
Comment: KDM6B: BP1

NM_001348716.2(KDM6B):c.1120G>A (p.Val374Ile)

Gene: KDM6B (lysine demethylase 6B; plus strand). Cytogenetic location: 17p13.1.
Variant type: single nucleotide variant.
Coding change: c.1120G>A on transcript NM_001348716.2 (MANE Select); coding-DNA position 1120, G replaced by A.
Protein change: p.Val374Ile; replaces valine 374 with isoleucine.
Molecular consequence: missense variant.
Genome position (GRCh38, 1-based): chr17:7,847,315, G>A. VCF-style: chr17-7847315-G-A. GRCh37 (hg19) VCF-style: chr17-7750633-G-A.
Other names: c.1120G>A, p.Val374Ile (NM_001080424.2); short protein forms V374I.
Identifiers: ClinVar variation 2647396 (VCV002647396.24), dbSNP rs142347409, ClinGen allele CA8360513.
Genomic context (GRCh38, chr17:7,847,315, plus strand): 5'-CGTCCCCCCGGAAGTGACCTTAGAGAGAGCAGAGTTCAGAGGTCGCGGATGGACTCCAGC[G>A]TTTCACCAGCAGCAACCACCGCCTGCGTGCCTTACGCCCCTTCCCGGCCCCCTGGCCTCC-3'
Protein context (NP_001335645.1, residues 364-384): RVQRSRMDSS[Val374Ile]SPAATTACVP